The following is an entry in ClinVar:

ClinVar aggregate classification (germline): Pathogenic (1 of 4 stars; one submission).

Submission:

Labcorp Genetics (formerly Invitae), Labcorp
Classification: Pathogenic. Last evaluated: 2025-05-13. Review status: criteria provided, single submitter. Criteria: Invitae Variant Classification Sherloc (09022015). Collection method: clinical testing. Allele origin: germline.
Comment: This sequence change creates a premature translational stop signal (p.Pro300Argfs*4) in the AEBP1 gene. It is expected to result in an absent or disrupted protein product. Loss-of-function variants in AEBP1 are known to be pathogenic (PMID: 29606302). This variant is present in population databases (no rsID available, gnomAD 0.001%). This variant has not been reported in the literature in individuals affected with AEBP1-related conditions. For these reasons, this variant has been classified as Pathogenic.

Literature cited by the submitters: PubMed 29606302.

NM_001129.5(AEBP1):c.899_900del (p.Pro300fs)

Gene: AEBP1 (AE binding protein 1; plus strand). Cytogenetic location: 7p13.
Variant type: Deletion.
Coding change: c.899_900del on transcript NM_001129.5 (MANE Select); coding-DNA positions 899 to 900, 2 bases deleted (CT; older notation c.899_900delCT).
Protein change: p.Pro300fs; shifts the reading frame from proline 300.
Molecular consequence: frameshift variant.
Genome position (GRCh38, 1-based): chr7:44,108,043-44,108,044, CT deleted. VCF-style (leftmost placement, unchanged base first): chr7-44108042-CCT-C. GRCh37 (hg19) VCF-style: chr7-44147641-CCT-C.
Other names: short protein forms P300fs.
Identifiers: ClinVar variation 4696062 (VCV004696062.1).
Genomic context (GRCh38, chr7:44,108,042, plus strand): 5'-CCTCCTAACCTCCCCGCCTCCCCAGAGCCTCCTGTGAAGCCTCTGCTGCCCCCGCTGCCC[CCT>C]GACTATGGTGATGGTTACGTGATCCCCAACTACGATGACAGTGAGTACCCAGCACCCCAG-3'